The following is an entry in ClinVar:

NM_078480.3(PUF60):c.1380+7A>G

Gene: PUF60 (poly(U) binding splicing factor 60; minus strand). Cytogenetic location: 8q24.3.
Variant type: single nucleotide variant.
Coding change: c.1380+7A>G on transcript NM_078480.3 (MANE Select); 7 bases into the intron after coding-DNA position 1380, A replaced by G.
Molecular consequence: intron variant.
Genome position (GRCh38, 1-based): chr8:143,816,903, T>C on the plus strand (A>G on the coding strand, the complement: PUF60 is on the minus strand). VCF-style: chr8-143816903-T-C. GRCh37 (hg19) VCF-style: chr8-144899073-T-C.
Other names: c.1242+7A>G (NM_001271097.2); c.1293+7A>G (NM_001271099.2); c.1326+7A>G (NM_001271096.2); c.1377+7A>G (NM_001271098.2); c.1329+7A>G (NM_014281.5); c.1200+7A>G (NM_001271100.2); c.1251+7A>G (NM_001136033.3); c.1440+7A>G (NM_001362897.2); and 1 more.
Identifiers: ClinVar variation 3388275 (VCV003388275.14).

ClinVar aggregate classification (germline): Benign (1 of 4 stars; one submission).

gnomAD v4.1: 539 of 1,327,274 alleles (0.041%); highest among the groups gnomAD compares: South Asian, 0.59%; 12 homozygotes.

Submission:

CeGaT Center for Human Genetics Tuebingen
Classification: Benign. Last evaluated: 2024-10-01. Review status: criteria provided, single submitter. Criteria: CeGaT Center For Human Genetics Tuebingen Variant Classification Criteria Version 2. Collection method: clinical testing. Allele origin: germline. Affected: yes. Observed: 1 variant allele.
Comment: PUF60: BP4, BS1, BS2